The following is an entry in ClinVar:

NM_024537.4(CARS2):c.625G>T (p.Gly209Cys)

Gene: CARS2 (cysteinyl-tRNA synthetase 2, mitochondrial; minus strand). Cytogenetic location: 13q34.
Variant type: single nucleotide variant.
Coding change: c.625G>T on transcript NM_024537.4 (MANE Select); coding-DNA position 625, G replaced by T.
Protein change: p.Gly209Cys; replaces glycine 209 with cysteine.
Molecular consequence: missense variant. On other transcripts: 5 prime UTR variant (1), non-coding transcript variant (2).
Genome position (GRCh38, 1-based): chr13:110,683,081, C>A on the plus strand (G>T on the coding strand, the complement: CARS2 is on the minus strand). VCF-style: chr13-110683081-C-A. GRCh37 (hg19) VCF-style: chr13-111335428-C-A.
Other names: c.-162G>T (NM_001352252.2); c.625G>T, p.Gly209Cys (NM_001352253.3); short protein forms G209C.
Identifiers: ClinVar variation 836773 (VCV000836773.9), dbSNP rs760043245, ClinGen allele CA388736745.

ClinVar aggregate classification (germline): Uncertain significance (1 of 4 stars; one submission).

Conditions:
Combined oxidative phosphorylation defect type 27. Also called: Combined oxidative phosphorylation deficiency 27. Identifiers: Orphanet 477774, MedGen C5567608, MONDO:0014728, OMIM 616672.

gnomAD v4.1: 1 of 1,602,192 alleles (0.000062%); highest among the groups gnomAD compares: Admixed American, 0.0017%; no homozygotes.

Submission:

Labcorp Genetics (formerly Invitae), Labcorp
Classification: Uncertain significance for Combined oxidative phosphorylation defect type 27. Last evaluated: 2024-04-08. Review status: criteria provided, single submitter. Criteria: Invitae Variant Classification Sherloc (09022015). Collection method: clinical testing. Allele origin: germline.
Comment: This sequence change replaces glycine, which is neutral and non-polar, with cysteine, which is neutral and slightly polar, at codon 209 of the CARS2 protein (p.Gly209Cys). This variant is present in population databases (no rsID available, gnomAD 0.003%). This variant has not been reported in the literature in individuals affected with CARS2-related conditions. ClinVar contains an entry for this variant (Variation ID: 836773). Advanced modeling of protein sequence and biophysical properties (such as structural, functional, and spatial information, amino acid conservation, physicochemical variation, residue mobility, and thermodynamic stability) performed at Invitae indicates that this missense variant is not expected to disrupt CARS2 protein function with a negative predictive value of 80%. In summary, the available evidence is currently insufficient to determine the role of this variant in disease. Therefore, it has been classified as a Variant of Uncertain Significance.